The following is an entry in ClinVar:

NM_001206999.2(CIT):c.2228G>A (p.Arg743Gln)

Gene: CIT (citron rho-interacting serine/threonine kinase; minus strand). Cytogenetic location: 12q24.23.
Variant type: single nucleotide variant.
Coding change: c.2228G>A on transcript NM_001206999.2 (MANE Select); coding-DNA position 2228, G replaced by A.
Protein change: p.Arg743Gln; replaces arginine 743 with glutamine.
Molecular consequence: missense variant.
Genome position (GRCh38, 1-based): chr12:119,767,163, C>T on the plus strand (G>A on the coding strand, the complement: CIT is on the minus strand). VCF-style: chr12-119767163-C-T. GRCh37 (hg19) VCF-style: chr12-120204967-C-T.
Other names: c.2102G>A, p.Arg701Gln (NM_007174.3); short protein forms R701Q, R743Q.
Identifiers: ClinVar variation 2505846 (VCV002505846.6), dbSNP rs959207549, ClinGen allele CA244346165.
Genomic context (GRCh38, chr12:119,767,163, plus strand): 5'-TAGTGCTGCTCTTTCTGTTTCAGGTGCACTTCTAGGTGCTGGGCTGAGACTTGGGCCTCC[C>T]GATGTTTCTCTTCGAGCTCCTAGACACAAAAGAAAAGACAGTCAGGTGTGCAGAGGGCAG-3'
Protein context (NP_001193928.1, residues 733-753): DKILELEEKH[Arg743Gln]EAQVSAQHLE

ClinVar aggregate classification (germline): Uncertain significance. Review status: criteria provided, multiple submitters, no conflicts (2 of 4 stars). 3 submissions from 3 submitters: Uncertain significance (2). 1 of the submissions does not count toward it. Last evaluated 2024-12-04.

Conditions:
CIT-related disorder. Also called: CIT-related condition.

Allele frequency attached by ClinVar (database versions not stated): gnomAD 0.00001; TOPMed 0.00001.
gnomAD v4.1: 17 of 1,609,696 alleles (0.0011%); highest among the groups gnomAD compares: Non-Finnish European, 0.0013%; no homozygotes.

Submissions (3):

GeneDx
Classification: Uncertain significance. Last evaluated: 2024-12-04. Review status: criteria provided, single submitter. Criteria: GeneDx Variant Classification Process June 2021. Collection method: clinical testing. Allele origin: germline. Affected: yes.
Comment: Has not been previously published as pathogenic or benign to our knowledge; Not observed at significant frequency in large population cohorts (gnomAD); In silico analysis indicates that this missense variant does not alter protein structure/function

Labcorp Genetics (formerly Invitae), Labcorp
Classification: Uncertain significance. Last evaluated: 2023-09-28. Review status: criteria provided, single submitter. Criteria: Invitae Variant Classification Sherloc (09022015). Collection method: clinical testing. Allele origin: germline.
Comment: ClinVar contains an entry for this variant (Variation ID: 2505846). In summary, the available evidence is currently insufficient to determine the role of this variant in disease. Therefore, it has been classified as a Variant of Uncertain Significance. Advanced modeling of protein sequence and biophysical properties (such as structural, functional, and spatial information, amino acid conservation, physicochemical variation, residue mobility, and thermodynamic stability) performed at Invitae indicates that this missense variant is not expected to disrupt CIT protein function. This variant has not been reported in the literature in individuals affected with CIT-related conditions. This variant is present in population databases (no rsID available, gnomAD 0.002%). This sequence change replaces arginine, which is basic and polar, with glutamine, which is neutral and polar, at codon 743 of the CIT protein (p.Arg743Gln).

PreventionGenetics, part of Exact Sciences
Classification: Uncertain significance for CIT-related condition. Last evaluated: 2024-01-03. Review status: no assertion criteria provided. Collection method: clinical testing. Allele origin: germline. Not counted in ClinVar's aggregate classification.
Comment: The CIT c.2228G>A variant is predicted to result in the amino acid substitution p.Arg743Gln. To our knowledge, this variant has not been reported in the literature. This variant is reported in 0.0023% of alleles in individuals of European (Non-Finnish) descent in gnomAD. At this time, the clinical significance of this variant is uncertain due to the absence of conclusive functional and genetic evidence.